The following is an entry in ClinVar:

NM_153717.3(EVC):c.1102G>C (p.Ala368Pro)

Gene: EVC (EvC ciliary complex subunit 1; plus strand). Cytogenetic location: 4p16.2.
Variant type: single nucleotide variant.
Coding change: c.1102G>C on transcript NM_153717.3 (MANE Select); coding-DNA position 1102, G replaced by C.
Protein change: p.Ala368Pro; replaces alanine 368 with proline.
Molecular consequence: missense variant.
Genome position (GRCh38, 1-based): chr4:5,752,839, G>C. VCF-style: chr4-5752839-G-C. GRCh37 (hg19) VCF-style: chr4-5754566-G-C.
Other names: c.1102G>C, p.Ala368Pro (NM_001306090.2, NM_001306092.2); short protein forms A368P.
Identifiers: ClinVar variation 2631448 (VCV002631448.3), dbSNP rs145645536, ClinGen allele CA356153244.

ClinVar aggregate classification (germline): Uncertain significance. Review status: criteria provided, multiple submitters, no conflicts (2 of 4 stars). 2 submissions from 2 submitters: Uncertain significance (2). Last evaluated 2026-07-20.

Conditions:
EVC-related disorder. Also called: EVC-related condition; EVC-related disorders.
Inborn genetic diseases. Identifiers: MedGen C0950123, MeSH D030342.

Submissions (2):

PreventionGenetics, part of Exact Sciences
Classification: Uncertain significance for EVC-related condition. Last evaluated: 2026-07-20. Review status: criteria provided, single submitter. Criteria: ACMG Guidelines, 2015. Collection method: clinical testing. Allele origin: germline.
Comment: The EVC c.1102G>C variant is predicted to result in the amino acid substitution p.Ala368Pro. To our knowledge, this variant has not been reported in the literature or in a large population database (gnomAD), indicating this variant is rare. At this time, the clinical significance of this variant is uncertain due to the absence of conclusive functional and genetic evidence.

Ambry Genetics
Classification: Uncertain significance for Inborn genetic diseases. Last evaluated: 2025-11-07. Review status: criteria provided, single submitter. Criteria: Ambry Variant Classification Scheme 2023. Collection method: clinical testing. Allele origin: germline.